The following is an entry in ClinVar:

ClinVar aggregate classification (germline): Uncertain significance (1 of 4 stars; one submission).

gnomAD v4.1: 8 of 1,566,010 alleles (0.00051%); highest among the groups gnomAD compares: Non-Finnish European, 0.00069%; no homozygotes.

Submission:

GeneDx
Classification: Uncertain significance. Last evaluated: 2019-05-03. Review status: criteria provided, single submitter. Criteria: GeneDx Variant Classification Process June 2021. Collection method: clinical testing. Allele origin: germline. Affected: yes.
Comment: Not observed in large population cohorts (Lek et al., 2016); In silico analysis, which includes protein predictors and evolutionary conservation, supports a deleterious effect; Has not been previously published as pathogenic or benign to our knowledge

NM_152743.4(BRAT1):c.364G>T (p.Gly122Cys)

Gene: BRAT1 (BRCA1 associated ATM activator 1; minus strand). Cytogenetic location: 7p22.3.
Variant type: single nucleotide variant.
Coding change: c.364G>T on transcript NM_152743.4 (MANE Select); coding-DNA position 364, G replaced by T.
Protein change: p.Gly122Cys; replaces glycine 122 with cysteine.
Molecular consequence: missense variant. On other transcripts: non-coding transcript variant (1), intron variant (1).
Genome position (GRCh38, 1-based): chr7:2,544,975, C>A on the plus strand (G>T on the coding strand, the complement: BRAT1 is on the minus strand). VCF-style: chr7-2544975-C-A. GRCh37 (hg19) VCF-style: chr7-2584609-C-A.
Other names: c.364G>T, p.Gly122Cys (NM_001350626.2); c.-95-1013G>T (NM_001350627.2); short protein forms G122C.
Identifiers: ClinVar variation 1302505 (VCV001302505.2), dbSNP rs368753862, ClinGen allele CA366632884.